The following is an entry in ClinVar:

ClinVar aggregate classification (germline): Pathogenic (1 of 4 stars; one submission).

Submission:

Labcorp Genetics (formerly Invitae), Labcorp
Classification: Pathogenic. Last evaluated: 2024-01-21. Review status: criteria provided, single submitter. Criteria: Invitae Variant Classification Sherloc (09022015). Collection method: clinical testing. Allele origin: germline.
Comment: This sequence change creates a premature translational stop signal (p.Arg206Alafs*57) in the MYO7A gene. It is expected to result in an absent or disrupted protein product. Loss-of-function variants in MYO7A are known to be pathogenic (PMID: 8900236, 25404053). This variant is not present in population databases (gnomAD no frequency). This variant has not been reported in the literature in individuals affected with MYO7A-related conditions. For these reasons, this variant has been classified as Pathogenic.

Literature cited by the submitters: PubMed 8900236; PubMed 25404053.

NM_000260.4(MYO7A):c.616del (p.Arg206fs)

Gene: MYO7A (myosin VIIA; plus strand). Cytogenetic location: 11q13.5.
Variant type: Deletion.
Coding change: c.616del on transcript NM_000260.4 (MANE Select); coding-DNA position 616, one base deleted (C; older notation c.616delC).
Protein change: p.Arg206fs; shifts the reading frame from arginine 206.
Molecular consequence: frameshift variant.
Genome position (GRCh38, 1-based): chr11:77,156,885, C deleted; the last of 2 consecutive C bases (chr11:77,156,884-77,156,885); deleting either gives the same sequence. VCF-style (leftmost placement, unchanged base first): chr11-77156883-TC-T. GRCh37 (hg19) VCF-style: chr11-76867929-TC-T.
Other names: c.616del, p.Arg206fs (NM_001127180.2); c.583del, p.Arg195fs (NM_001369365.1); short protein forms R206fs, R195fs.
Identifiers: ClinVar variation 2710647 (VCV002710647.3), dbSNP rs2496748689, ClinGen allele CA2697548810.
Genomic context (GRCh38, chr11:77,156,883, plus strand): 5'-GGAGCGGGCTTTGCCAGTGACACCCTACTCACTCCGCAGCATTTGGGAATGCCAAGACCA[TC>T]CGCAATGACAACTCAAGCCGTTTCGGAAAGTACATCGACATCCACTTCAACAAGCGGGGC-3'